The following is an entry in ClinVar:

NM_003151.4(STAT4):c.1648T>C (p.Phe550Leu)

Gene: STAT4 (signal transducer and activator of transcription 4; minus strand). Cytogenetic location: 2q32.2.
Variant type: single nucleotide variant.
Coding change: c.1648T>C on transcript NM_003151.4 (MANE Select); coding-DNA position 1648, T replaced by C.
Protein change: p.Phe550Leu; replaces phenylalanine 550 with leucine.
Molecular consequence: missense variant.
Genome position (GRCh38, 1-based): chr2:191,033,978, A>G on the plus strand (T>C on the coding strand, the complement: STAT4 is on the minus strand). VCF-style: chr2-191033978-A-G. GRCh37 (hg19) VCF-style: chr2-191898704-A-G.
Other names: c.1648T>C, p.Phe550Leu (NM_001243835.2); short protein forms F550L.
Identifiers: ClinVar variation 1481200 (VCV001481200.8), dbSNP rs373191999, ClinGen allele CA62674443.

ClinVar aggregate classification (germline): Uncertain significance (1 of 4 stars; one submission).

Allele frequency attached by ClinVar (database versions not stated): gnomAD exomes below 0.00001; gnomAD 0.00001; TOPMed 0.00001; ESP Exome Variant Server 0.00008.
gnomAD v4.1: 7 of 1,611,750 alleles (0.00043%); highest among the groups gnomAD compares: Non-Finnish European, 0.00059%; no homozygotes.

Submission:

Labcorp Genetics (formerly Invitae), Labcorp
Classification: Uncertain significance. Last evaluated: 2024-11-05. Review status: criteria provided, single submitter. Criteria: Invitae Variant Classification Sherloc (09022015). Collection method: clinical testing. Allele origin: germline.
Comment: This sequence change replaces phenylalanine, which is neutral and non-polar, with leucine, which is neutral and non-polar, at codon 550 of the STAT4 protein (p.Phe550Leu). This variant is not present in population databases (gnomAD no frequency). This variant has not been reported in the literature in individuals affected with STAT4-related conditions. ClinVar contains an entry for this variant (Variation ID: 1481200). Invitae Evidence Modeling of protein sequence and biophysical properties (such as structural, functional, and spatial information, amino acid conservation, physicochemical variation, residue mobility, and thermodynamic stability) has been performed for this missense variant. However, the output from this modeling did not meet the statistical confidence thresholds required to predict the impact of this variant on STAT4 protein function. In summary, the available evidence is currently insufficient to determine the role of this variant in disease. Therefore, it has been classified as a Variant of Uncertain Significance.